The following is an entry in ClinVar:

NM_000085.5(CLCNKB):c.759G>A (p.Leu253=)

Genes: CLCNKB (chloride voltage-gated channel Kb; plus strand), LOC106501713 (CLCNKB recombination region; plus strand). Cytogenetic location: 1p36.13.
Variant type: single nucleotide variant.
Coding change: c.759G>A on transcript NM_000085.5 (MANE Select); coding-DNA position 759, G replaced by A.
Protein change: p.Leu253=; no amino-acid change (leucine 253 retained).
Molecular consequence: synonymous variant.
Genome position (GRCh38, 1-based): chr1:16,049,223, G>A. VCF-style: chr1-16049223-G-A. GRCh37 (hg19) VCF-style: chr1-16375718-G-A.
Other names: c.252G>A, p.Leu84= (NM_001165945.2).
Identifiers: ClinVar variation 4282369 (VCV004282369.1).

ClinVar aggregate classification (germline): Uncertain significance (1 of 4 stars; one submission).

gnomAD v4.1: 30 of 1,613,738 alleles (0.0019%); highest among the groups gnomAD compares: Non-Finnish European, 0.0024%; no homozygotes.

Submission:

GeneDx
Classification: Uncertain significance. Last evaluated: 2025-04-07. Review status: criteria provided, single submitter. Criteria: GeneDx Variant Classification Process June 2021. Collection method: clinical testing. Allele origin: germline. Affected: yes.
Comment: Not observed at significant frequency in large population cohorts (gnomAD); In silico analysis indicates that this variant does not alter splicing; Has not been previously published as pathogenic or benign to our knowledge